The following is an entry in ClinVar:

ClinVar aggregate classification (germline): Uncertain significance. Review status: criteria provided, multiple submitters, no conflicts (2 of 4 stars). 2 submissions from 2 submitters: Uncertain significance (2). Last evaluated 2023-12-11.

Conditions:
Inborn genetic diseases. Identifiers: MedGen C0950123, MeSH D030342.
Hereditary spastic paraplegia 4. Also called: Familial spastic paraplegia autosomal dominant 2; Spastic paraplegia 4, autosomal dominant; Spastic Paraplegia 4. Identifiers: Orphanet 100985, MedGen C1866855, MONDO:0008438, OMIM 182601.

Allele frequency attached by ClinVar (database versions not stated): gnomAD exomes below 0.00001; gnomAD 0.00001.
gnomAD v4.1: 3 of 1,612,100 alleles (0.00019%); highest among the groups gnomAD compares: Non-Finnish European, 0.00025%; no homozygotes.

Submissions (2):

Labcorp Genetics (formerly Invitae), Labcorp
Classification: Uncertain significance for Hereditary spastic paraplegia 4. Last evaluated: 2023-12-11. Review status: criteria provided, single submitter. Criteria: Invitae Variant Classification Sherloc (09022015). Collection method: clinical testing. Allele origin: germline.
Comment: This sequence change replaces histidine, which is basic and polar, with glutamine, which is neutral and polar, at codon 46 of the SPAST protein (p.His46Gln). This variant is not present in population databases (gnomAD no frequency). This variant has not been reported in the literature in individuals affected with SPAST-related conditions. ClinVar contains an entry for this variant (Variation ID: 2234389). Advanced modeling of protein sequence and biophysical properties (such as structural, functional, and spatial information, amino acid conservation, physicochemical variation, residue mobility, and thermodynamic stability) has been performed at Invitae for this missense variant, however the output from this modeling did not meet the statistical confidence thresholds required to predict the impact of this variant on SPAST protein function. In summary, the available evidence is currently insufficient to determine the role of this variant in disease. Therefore, it has been classified as a Variant of Uncertain Significance.

Ambry Genetics
Classification: Uncertain significance for Inborn genetic diseases. Last evaluated: 2021-06-22. Review status: criteria provided, single submitter. Criteria: Ambry Variant Classification Scheme 2023. Collection method: clinical testing. Allele origin: germline.

NM_014946.4(SPAST):c.138T>G (p.His46Gln)

Gene: SPAST (spastin; plus strand). Cytogenetic location: 2p22.3.
Variant type: single nucleotide variant.
Coding change: c.138T>G on transcript NM_014946.4 (MANE Select); coding-DNA position 138, T replaced by G.
Protein change: p.His46Gln; replaces histidine 46 with glutamine.
Molecular consequence: missense variant.
Genome position (GRCh38, 1-based): chr2:32,063,969, T>G. VCF-style: chr2-32063969-T-G. GRCh37 (hg19) VCF-style: chr2-32289038-T-G.
Other names: c.138T>G, p.His46Gln (NM_001363823.2, NM_001363875.2, NM_001377959.1 and 1 more transcripts); short protein forms H46Q.
Identifiers: ClinVar variation 2234389 (VCV002234389.5), dbSNP rs1049586183, ClinGen allele CA346601432.